The following is an entry in ClinVar:

NM_012092.4(ICOS):c.523G>A (p.Asp175Asn)

Gene: ICOS (inducible T cell costimulator; plus strand). Cytogenetic location: 2q33.2.
Variant type: single nucleotide variant.
Coding change: c.523G>A on transcript NM_012092.4 (MANE Select); coding-DNA position 523, G replaced by A.
Protein change: p.Asp175Asn; replaces aspartic acid 175 with asparagine.
Molecular consequence: missense variant.
Genome position (GRCh38, 1-based): chr2:203,957,820, G>A. VCF-style: chr2-203957820-G-A. GRCh37 (hg19) VCF-style: chr2-204822543-G-A.
Other names: short protein forms D175N.
Identifiers: ClinVar variation 853450 (VCV000853450.1), dbSNP rs778908715, ClinGen allele CA2067318.

ClinVar aggregate classification (germline): Uncertain significance (1 of 4 stars; one submission).

Conditions:
Immunodeficiency, common variable, 1. Also called: ANTIBODY DEFICIENCY DUE TO ICOS DEFECT. Identifiers: Orphanet 1572, Orphanet 695183, MedGen C3149378, MONDO:0011864, OMIM 607594.

Allele frequency attached by ClinVar (database versions not stated): TOPMed 0.00002; gnomAD 0.00001; gnomAD exomes 0.00001; ExAC 0.00001.
gnomAD v4.1: 13 of 1,612,812 alleles (0.00081%); highest among the groups gnomAD compares: South Asian, 0.0066%; no homozygotes.

Submission:

Labcorp Genetics (formerly Invitae), Labcorp
Classification: Uncertain significance for Common variable immunodeficiency 1. Last evaluated: 2019-12-31. Review status: criteria provided, single submitter. Criteria: Invitae Variant Classification Sherloc (09022015). Collection method: clinical testing. Allele origin: germline.
Comment: This sequence change replaces aspartic acid with asparagine at codon 175 of the ICOS protein (p.Asp175Asn). The aspartic acid residue is highly conserved and there is a small physicochemical difference between aspartic acid and asparagine. This variant is present in population databases (rs778908715, ExAC 0.006%). This variant has not been reported in the literature in individuals with ICOS-related conditions. Algorithms developed to predict the effect of missense changes on protein structure and function are either unavailable or do not agree on the potential impact of this missense change (SIFT: "Deleterious"; PolyPhen-2: "Probably Damaging"; Align-GVGD: "Class C0"). In summary, the available evidence is currently insufficient to determine the role of this variant in disease. Therefore, it has been classified as a Variant of Uncertain Significance.